The following is an entry in ClinVar:

NM_015340.4(LARS2):c.220A>G (p.Ile74Val)

Gene: LARS2 (leucyl-tRNA synthetase 2, mitochondrial; plus strand). Cytogenetic location: 3p21.31.
Variant type: single nucleotide variant.
Coding change: c.220A>G on transcript NM_015340.4 (MANE Select); coding-DNA position 220, A replaced by G.
Protein change: p.Ile74Val; replaces isoleucine 74 with valine.
Molecular consequence: missense variant.
Genome position (GRCh38, 1-based): chr3:45,394,673, A>G. VCF-style: chr3-45394673-A-G. GRCh37 (hg19) VCF-style: chr3-45436165-A-G.
Other names: c.220A>G, p.Ile74Val (NM_001368263.1); short protein forms I74V.
Identifiers: ClinVar variation 2084373 (VCV002084373.4), dbSNP rs780865850, ClinGen allele CA2349215.

ClinVar aggregate classification (germline): Uncertain significance (1 of 4 stars; one submission).

Allele frequency attached by ClinVar (database versions not stated): TOPMed below 0.00001; gnomAD exomes 0.00001; ExAC 0.00002.
gnomAD v4.1: 7 of 1,611,730 alleles (0.00043%); highest among the groups gnomAD compares: Admixed American, 0.012%; no homozygotes.

Submission:

Labcorp Genetics (formerly Invitae), Labcorp
Classification: Uncertain significance. Last evaluated: 2024-02-05. Review status: criteria provided, single submitter. Criteria: Invitae Variant Classification Sherloc (09022015). Collection method: clinical testing. Allele origin: germline.
Comment: This sequence change replaces isoleucine, which is neutral and non-polar, with valine, which is neutral and non-polar, at codon 74 of the LARS2 protein (p.Ile74Val). This variant is present in population databases (rs780865850, gnomAD 0.02%). This variant has not been reported in the literature in individuals affected with LARS2-related conditions. ClinVar contains an entry for this variant (Variation ID: 2084373). Advanced modeling of protein sequence and biophysical properties (such as structural, functional, and spatial information, amino acid conservation, physicochemical variation, residue mobility, and thermodynamic stability) performed at Invitae indicates that this missense variant is not expected to disrupt LARS2 protein function with a negative predictive value of 80%. In summary, the available evidence is currently insufficient to determine the role of this variant in disease. Therefore, it has been classified as a Variant of Uncertain Significance.